The following is an entry in ClinVar:

NM_018418.5(SPATA7):c.1715T>A (p.Val572Asp)

Gene: SPATA7 (spermatogenesis associated 7; plus strand). Cytogenetic location: 14q31.3.
Variant type: single nucleotide variant.
Coding change: c.1715T>A on transcript NM_018418.5 (MANE Select); coding-DNA position 1715, T replaced by A.
Protein change: p.Val572Asp; replaces valine 572 with aspartic acid.
Molecular consequence: missense variant.
Genome position (GRCh38, 1-based): chr14:88,438,337, T>A. VCF-style: chr14-88438337-T-A. GRCh37 (hg19) VCF-style: chr14-88904681-T-A.
Other names: c.1619T>A, p.Val540Asp (NM_001040428.4); short protein forms V572D, V540D.
Identifiers: ClinVar variation 2173734 (VCV002173734.3), dbSNP rs2504302507, ClinGen allele CA390574045.

ClinVar aggregate classification (germline): Uncertain significance (1 of 4 stars; one submission).

Conditions:
Leber congenital amaurosis 3 (LCA3). Also called: SPATA7-Related Retinitis Pigmentosa. Identifiers: MedGen C1858677, MONDO:0011415, OMIM 604232.

Submission:

Labcorp Genetics (formerly Invitae), Labcorp
Classification: Uncertain significance for Leber congenital amaurosis 3. Last evaluated: 2022-02-08. Review status: criteria provided, single submitter. Criteria: Invitae Variant Classification Sherloc (09022015). Collection method: clinical testing. Allele origin: germline.
Comment: In summary, the available evidence is currently insufficient to determine the role of this variant in disease. Therefore, it has been classified as a Variant of Uncertain Significance. Algorithms developed to predict the effect of missense changes on protein structure and function are either unavailable or do not agree on the potential impact of this missense change (SIFT: "Deleterious"; PolyPhen-2: "Possibly Damaging"; Align-GVGD: "Class C15"). This variant has not been reported in the literature in individuals affected with SPATA7-related conditions. This variant is not present in population databases (gnomAD no frequency). This sequence change replaces valine, which is neutral and non-polar, with aspartic acid, which is acidic and polar, at codon 572 of the SPATA7 protein (p.Val572Asp).